The following is an entry in ClinVar:

ClinVar aggregate classification (germline): Uncertain significance (1 of 4 stars; one submission).

Allele frequency attached by ClinVar (database versions not stated): gnomAD 0.00001; gnomAD exomes 0.00001; TOPMed 0.00001.
gnomAD v4.1: 6 of 1,605,174 alleles (0.00037%); highest among the groups gnomAD compares: Admixed American, 0.0051%; no homozygotes.

Submission:

Women's Health and Genetics/Laboratory Corporation of America, LabCorp
Classification: Uncertain significance. Last evaluated: 2023-07-26. Review status: criteria provided, single submitter. Criteria: LabCorp Variant Classification Summary - May 2015. Collection method: clinical testing. Allele origin: germline.
Comment: Variant summary: IRF3 c.1004G>A (p.Gly335Glu) results in a non-conservative amino acid change located in the Interferon regulatory factor-3 domain (IPR019471) of the encoded protein sequence. Five of five in-silico tools predict a damaging effect of the variant on protein function. The variant allele was found at a frequency of 1.3e-05 in 233940 control chromosomes (gnomAD). The available data on variant occurrences in the general population are insufficient to allow any conclusion about variant significance. To our knowledge, no occurrence of c.1004G>A in individuals affected with Herpes Simplex Encephalitis, Susceptibility To, 7 and no experimental evidence demonstrating its impact on protein function have been reported. No submitters have cited clinical-significance assessments for this variant to ClinVar after 2014. Based on the evidence outlined above, the variant was classified as uncertain significance.

NM_001571.6(IRF3):c.1004G>A (p.Gly335Glu)

Gene: IRF3 (interferon regulatory factor 3; minus strand). Cytogenetic location: 19q13.33.
Variant type: single nucleotide variant.
Coding change: c.1004G>A on transcript NM_001571.6 (MANE Select); coding-DNA position 1004, G replaced by A.
Protein change: p.Gly335Glu; replaces glycine 335 with glutamic acid.
Molecular consequence: missense variant. On other transcripts: synonymous variant (1), non-coding transcript variant (1).
Genome position (GRCh38, 1-based): chr19:49,660,807, C>T on the plus strand (G>A on the coding strand, the complement: IRF3 is on the minus strand). VCF-style: chr19-49660807-C-T. GRCh37 (hg19) VCF-style: chr19-50164064-C-T.
Other names: c.1020G>A, p.Arg340= (NM_001197122.2); c.899G>A, p.Gly300Glu (NM_001197123.2); c.623G>A, p.Gly208Glu (NM_001197124.2); c.566G>A, p.Gly189Glu (NM_001197125.2, NM_001197126.2); c.185G>A, p.Gly62Glu (NM_001197127.2, NM_001197128.2); short protein forms G189E, G208E, G300E, G335E, G62E.
Identifiers: ClinVar variation 2577356 (VCV002577356.1), dbSNP rs1226124645, ClinGen allele CA406885878.